The following is an entry in ClinVar:

ClinVar aggregate classification (germline): Uncertain significance (1 of 4 stars; one submission).

Submission:

Labcorp Genetics (formerly Invitae), Labcorp
Classification: Uncertain significance. Last evaluated: 2024-07-10. Review status: criteria provided, single submitter. Criteria: Invitae Variant Classification Sherloc (09022015). Collection method: clinical testing. Allele origin: germline.
Comment: This sequence change replaces glutamine, which is neutral and polar, with arginine, which is basic and polar, at codon 94 of the SLC12A6 protein (p.Gln94Arg). This variant is not present in population databases (gnomAD no frequency). This variant has not been reported in the literature in individuals affected with SLC12A6-related conditions. Advanced modeling of protein sequence and biophysical properties (such as structural, functional, and spatial information, amino acid conservation, physicochemical variation, residue mobility, and thermodynamic stability) performed at Invitae indicates that this missense variant is not expected to disrupt SLC12A6 protein function with a negative predictive value of 95%. In summary, the available evidence is currently insufficient to determine the role of this variant in disease. Therefore, it has been classified as a Variant of Uncertain Significance.

NM_001365088.1(SLC12A6):c.281A>G (p.Gln94Arg)

Gene: SLC12A6 (solute carrier family 12 member 6; minus strand). Cytogenetic location: 15q14.
Variant type: single nucleotide variant.
Coding change: c.281A>G on transcript NM_001365088.1 (MANE Select); coding-DNA position 281, A replaced by G.
Protein change: p.Gln94Arg; replaces glutamine 94 with arginine.
Molecular consequence: missense variant. On other transcripts: intron variant (1).
Genome position (GRCh38, 1-based): chr15:34,275,380, T>C on the plus strand (A>G on the coding strand, the complement: SLC12A6 is on the minus strand). VCF-style: chr15-34275380-T-C. GRCh37 (hg19) VCF-style: chr15-34567581-T-C.
Other names: c.104A>G, p.Gln35Arg (NM_001042494.2, NM_001042495.2); c.254A>G, p.Gln85Arg (NM_001042496.2); c.128A>G, p.Gln43Arg (NM_005135.2); c.281A>G, p.Gln94Arg (NM_133647.2); c.272-14360A>G (NM_001042497.2); short protein forms Q85R, Q94R, Q35R, Q43R.
Identifiers: ClinVar variation 3636586 (VCV003636586.2).